The following is an entry in ClinVar:

NM_006361.6(HOXB13):c.698G>A (p.Arg233Gln)

Gene: HOXB13 (homeobox B13; minus strand). Cytogenetic location: 17q21.32.
Variant type: single nucleotide variant.
Coding change: c.698G>A on transcript NM_006361.6 (MANE Select); coding-DNA position 698, G replaced by A.
Protein change: p.Arg233Gln; replaces arginine 233 with glutamine.
Molecular consequence: missense variant.
Genome position (GRCh38, 1-based): chr17:48,726,947, C>T on the plus strand (G>A on the coding strand, the complement: HOXB13 is on the minus strand). VCF-style: chr17-48726947-C-T. GRCh37 (hg19) VCF-style: chr17-46804309-C-T.
Other names: short protein forms R233Q.
Identifiers: ClinVar variation 1053770 (VCV001053770.13), dbSNP rs1451909727, ClinGen allele CA400106539.

ClinVar aggregate classification (germline): Uncertain significance. Review status: criteria provided, multiple submitters, no conflicts (2 of 4 stars). 2 submissions from 2 submitters: Uncertain significance (2). Last evaluated 2025-06-03.

Conditions:
Hereditary cancer-predisposing syndrome. Also called: Hereditary Cancer Syndrome; Tumor predisposition; Hereditary neoplastic syndrome; Neoplastic Syndromes, Hereditary. Identifiers: Orphanet 140162, MedGen C0027672, MeSH D009386, MONDO:0015356.

Submissions (2):

Labcorp Genetics (formerly Invitae), Labcorp
Classification: Uncertain significance. Last evaluated: 2025-06-03. Review status: criteria provided, single submitter. Criteria: Invitae Variant Classification Sherloc (09022015). Collection method: clinical testing. Allele origin: germline.
Comment: This sequence change replaces arginine, which is basic and polar, with glutamine, which is neutral and polar, at codon 233 of the HOXB13 protein (p.Arg233Gln). This variant is not present in population databases (gnomAD no frequency). This variant has not been reported in the literature in individuals affected with HOXB13-related conditions. ClinVar contains an entry for this variant (Variation ID: 1053770). Invitae Evidence Modeling of protein sequence and biophysical properties (such as structural, functional, and spatial information, amino acid conservation, physicochemical variation, residue mobility, and thermodynamic stability) indicates that this missense variant is not expected to disrupt HOXB13 protein function with a negative predictive value of 80%. In summary, the available evidence is currently insufficient to determine the role of this variant in disease. Therefore, it has been classified as a Variant of Uncertain Significance.

Ambry Genetics
Classification: Uncertain significance for Hereditary cancer-predisposing syndrome. Last evaluated: 2024-09-18. Review status: criteria provided, single submitter. Criteria: Ambry Variant Classification Scheme 2023. Collection method: clinical testing. Allele origin: germline.
Comment: The p.R233Q variant (also known as c.698G>A), located in coding exon 2 of the HOXB13 gene, results from a G to A substitution at nucleotide position 698. The arginine at codon 233 is replaced by glutamine, an amino acid with highly similar properties. This amino acid position is conserved. In addition, the in silico prediction for this alteration is inconclusive. Since supporting evidence is limited at this time, the clinical significance of this alteration remains unclear.